The following is an entry in ClinVar:

ClinVar aggregate classification (germline): Uncertain significance (1 of 4 stars; one submission).

Conditions:
Lynch syndrome. Identifiers: Orphanet 144, MedGen C4552100, MONDO:0005835. Disease mechanism: loss of function.

Submission:

All of Us Research Program, National Institutes of Health
Classification: Uncertain significance for Lynch syndrome. Last evaluated: 2023-02-10. Review status: criteria provided, single submitter. Criteria: ACMG Guidelines, 2015. Collection method: clinical testing. Allele origin: germline. Inheritance: Autosomal dominant inheritance. Observed: 1 variant allele, 1 heterozygote.
Comment: This study involves interpretation of variants in research participants for the purpose of population health screening. Participant phenotype was not available at the time of variant classification. Additional details can be found in publication PMID: 35346344, PMCID: PMC8962531

NM_000179.3(MSH6):c.11A>T (p.Gln4Leu)

Gene: MSH6 (mutS homolog 6; plus strand). Cytogenetic location: 2p16.3.
Variant type: single nucleotide variant.
Coding change: c.11A>T on transcript NM_000179.3 (MANE Select); coding-DNA position 11, A replaced by T.
Protein change: p.Gln4Leu; replaces glutamine 4 with leucine.
Molecular consequence: missense variant. On other transcripts: 5 prime UTR variant (8), non-coding transcript variant (5), intron variant (5).
Genome position (GRCh38, 1-based): chr2:47,783,244, A>T. VCF-style: chr2-47783244-A-T. GRCh37 (hg19) VCF-style: chr2-48010383-A-T.
Other names: c.11A>T, p.Gln4Leu (NM_001281492.2, NM_001406795.1, NM_001406796.1 and 9 more transcripts); c.-726A>T (NM_001281493.2, NM_001406811.1); c.-318A>T (NM_001406799.1); c.-45A>T (NM_001406804.1); c.-918A>T (NM_001406807.1); c.-573A>T (NM_001406812.1); c.-984A>T (NM_001406814.1); c.-529A>T (NM_001406816.1); and 3 more; short protein forms Q4L.
Identifiers: ClinVar variation 3069424 (VCV003069424.1), dbSNP rs1572697725, ClinGen allele CA346734478.